The following is an entry in ClinVar:

ClinVar aggregate classification (germline): Pathogenic/Likely pathogenic. Review status: criteria provided, multiple submitters, no conflicts (2 of 4 stars). 2 submissions from 2 submitters: Pathogenic (1); Likely pathogenic (1). Last evaluated 2025-02-24.

Conditions:
Bartter syndrome. Identifiers: Orphanet 112, MedGen C0004775, MONDO:0015231.

Allele frequency attached by ClinVar (database versions not stated): gnomAD exomes 0.00001.
gnomAD v4.1: 6 of 1,614,240 alleles (0.00037%); highest among the groups gnomAD compares: Non-Finnish European, 0.00051%; no homozygotes.

Submissions (2):

Natera, Inc.
Classification: Likely pathogenic for Bartter syndrome. Last evaluated: 2025-02-24. Review status: criteria provided, single submitter. Criteria: Natera Variant Classification Schema (03/2026). Collection method: clinical testing. Allele origin: germline.
Comment: The c.442G>T variant in BSND is a nonsense variant predicted to introduce a stop codon at amino acid 148. This variant is expected to result in nonsense mediated decay, truncation, or a dysfunctional protein product. This variant is rare in the general population with a frequency below the threshold expected for the associated phenotype(s). Given the available evidence, this variant is classified as Likely Pathogenic.

Labcorp Genetics (formerly Invitae), Labcorp
Classification: Pathogenic. Last evaluated: 2024-01-22. Review status: criteria provided, single submitter. Criteria: Invitae Variant Classification Sherloc (09022015). Collection method: clinical testing. Allele origin: germline.
Comment: This sequence change creates a premature translational stop signal (p.Glu148*) in the BSND gene. It is expected to result in an absent or disrupted protein product. Loss-of-function variants in BSND are known to be pathogenic (PMID: 11687798). This variant is not present in population databases (gnomAD no frequency). This variant has not been reported in the literature in individuals affected with BSND-related conditions. ClinVar contains an entry for this variant (Variation ID: 2416351). For these reasons, this variant has been classified as Pathogenic.

Literature cited by the submitters: PubMed 11687798 (cited by Labcorp Genetics (formerly Invitae), Labcorp).

NM_057176.3(BSND):c.442G>T (p.Glu148Ter)

Gene: BSND (barttin CLCNK type accessory subunit beta; plus strand). Cytogenetic location: 1p32.3.
Variant type: single nucleotide variant.
Coding change: c.442G>T on transcript NM_057176.3 (MANE Select); coding-DNA position 442, G replaced by T.
Protein change: p.Glu148Ter; replaces glutamic acid 148 with a stop codon.
Molecular consequence: nonsense.
Genome position (GRCh38, 1-based): chr1:55,007,166, G>T. VCF-style: chr1-55007166-G-T. GRCh37 (hg19) VCF-style: chr1-55472839-G-T.
Other names: c.442G>T (NM_057176.2); short protein forms E148*.
Identifiers: ClinVar variation 2416351 (VCV002416351.7), dbSNP rs2523083336, ClinGen allele CA340475581.